The following is an entry in ClinVar:

NM_002335.4(LRP5):c.201A>C (p.Ala67=)

Gene: LRP5 (LDL receptor related protein 5; plus strand). Cytogenetic location: 11q13.2.
Variant type: single nucleotide variant.
Coding change: c.201A>C on transcript NM_002335.4 (MANE Select); coding-DNA position 201, A replaced by C.
Protein change: p.Ala67=; no amino-acid change (alanine 67 retained).
Molecular consequence: synonymous variant. On other transcripts: 5 prime UTR variant (1).
Genome position (GRCh38, 1-based): chr11:68,347,956, A>C. VCF-style: chr11-68347956-A-C. GRCh37 (hg19) VCF-style: chr11-68115424-A-C.
Other names: c.-1565A>C (NM_001291902.2); c.201A>C (NM_002335.3).
Identifiers: ClinVar variation 1567208 (VCV001567208.10), dbSNP rs540291726, ClinGen allele CA224271024.

ClinVar aggregate classification (germline): Likely benign. Review status: criteria provided, multiple submitters, no conflicts (2 of 4 stars). 3 submissions from 3 submitters: Likely benign (3). Last evaluated 2026-05-13.

Conditions:
Osteoporosis with pseudoglioma (OPPG). Also called: osteoporosis-pseudoglioma syndrome. Identifiers: Orphanet 2788, MedGen C0432252, MONDO:0009820, OMIM 259770.
Polycystic liver disease 4 with or without kidney cysts. Identifiers: MedGen C4693479, MONDO:0044327, OMIM 617875.
Worth disease. Also called: Autosomal dominant osteosclerosis, Worth type; ENDOSTEAL HYPEROSTOSIS, AUTOSOMAL DOMINANT; OSTEOSCLEROSIS, AUTOSOMAL DOMINANT. Identifiers: Orphanet 2790, MedGen C0432273, MONDO:0007764, OMIM 144750.
Autosomal dominant osteopetrosis 1 (OPTA1). Also called: OSTEOPETROSIS, AUTOSOMAL DOMINANT, TYPE I. Identifiers: Orphanet 2783, MedGen C1843330, MONDO:0011877, OMIM 607634.
Osteoporosis. Identifiers: MedGen C0029456, MONDO:0005298, OMIM 166710, HP:0000939.
Bone mineral density quantitative trait locus 1 (BMND1). Identifiers: MedGen C1866079, OMIM 601884.
Exudative vitreoretinopathy 4 (EVR4). Identifiers: Orphanet 891, MedGen C1866176, MONDO:0011151, OMIM 601813.
Exudative vitreoretinopathy 1 (EVR1). Also called: FEVR, AUTOSOMAL DOMINANT; Familial exudative vitreoretinopathy, autosomal dominant; CRISWICK-SCHEPENS SYNDROME. Identifiers: Orphanet 891, Orphanet 90050, MedGen C1851402, MONDO:0007589, OMIM 133780.
LRP5-related disorder. Also called: LRP5-related condition.

Allele frequency attached by ClinVar (database versions not stated): 1000 Genomes Project 30x 0.00016; 1000 Genomes Project 0.00020.
gnomAD v4.1: 4 of 1,614,124 alleles (0.00025%); highest among the groups gnomAD compares: South Asian, 0.0044%; no homozygotes.

Submissions (3):

PreventionGenetics, part of Exact Sciences
Classification: Likely benign for LRP5-related condition. Last evaluated: 2026-05-13. Review status: criteria provided, single submitter. Criteria: ACMG Guidelines, 2015. Collection method: clinical testing. Allele origin: germline.
Comment: This variant is classified as likely benign based on ACMG/AMP sequence variant interpretation guidelines (Richards et al. 2015 PMID: 25741868, with internal and published modifications).

Labcorp Genetics (formerly Invitae), Labcorp
Classification: Likely benign. Last evaluated: 2022-08-23. Review status: criteria provided, single submitter. Criteria: Invitae Variant Classification Sherloc (09022015). Collection method: clinical testing. Allele origin: germline.

Fulgent Genetics
Classification: Likely benign for Exudative vitreoretinopathy 1; Worth disease; Osteoporosis; Osteoporosis with pseudoglioma; Exudative vitreoretinopathy 4; Bone mineral density quantitative trait locus 1; Autosomal dominant osteopetrosis 1; Polycystic liver disease 4 with or without kidney cysts. Last evaluated: 2021-10-29. Review status: criteria provided, single submitter. Criteria: ACMG Guidelines, 2015. Collection method: clinical testing. Allele origin: unknown.